The following is an entry in ClinVar:

ClinVar aggregate classification (germline): Pathogenic (1 of 4 stars; one submission).

Submission:

Labcorp Genetics (formerly Invitae), Labcorp
Classification: Pathogenic. Last evaluated: 2024-01-20. Review status: criteria provided, single submitter. Criteria: Invitae Variant Classification Sherloc (09022015). Collection method: clinical testing. Allele origin: germline.
Comment: This sequence change creates a premature translational stop signal (p.Leu102Phefs*48) in the ZNF469 gene. It is expected to result in an absent or disrupted protein product. Loss-of-function variants in ZNF469 are known to be pathogenic (PMID: 23642083, 23680354). This variant is not present in population databases (gnomAD no frequency). This variant has not been reported in the literature in individuals affected with ZNF469-related conditions. For these reasons, this variant has been classified as Pathogenic.

Literature cited by the submitters: PubMed 23642083; PubMed 23680354.

NM_001367624.2(ZNF469):c.305dup (p.Leu102fs)

Gene: ZNF469 (zinc finger protein 469; plus strand). Cytogenetic location: 16q24.2.
Variant type: Duplication.
Coding change: c.305dup on transcript NM_001367624.2 (MANE Select); coding-DNA position 305, one base duplicated (T; older notation c.305dupT).
Protein change: p.Leu102fs; shifts the reading frame from leucine 102.
Molecular consequence: frameshift variant.
Genome position (GRCh38, 1-based): chr16:88,427,775, T duplicated; the last of 2 consecutive T bases (chr16:88,427,774-88,427,775); duplicating either gives the same sequence. VCF-style (leftmost placement, unchanged base first): chr16-88427773-C-CT. GRCh37 (hg19) VCF-style: chr16-88494181-C-CT.
Other names: short protein forms L102fs.
Identifiers: ClinVar variation 2710403 (VCV002710403.3), dbSNP rs2507570751, ClinGen allele CA2697556087.